The following is an entry in ClinVar:

ClinVar aggregate classification (germline): Likely benign (1 of 4 stars; one submission).

Conditions:
SOX2-related disorder. Also called: SOX2-related condition.

Submission:

PreventionGenetics, part of Exact Sciences
Classification: Likely benign for SOX2-related condition. Last evaluated: 2024-12-31. Review status: criteria provided, single submitter. Criteria: ACMG Guidelines, 2015. Collection method: clinical testing. Allele origin: germline.
Comment: This variant is classified as likely benign based on ACMG/AMP sequence variant interpretation guidelines (Richards et al. 2015 PMID: 25741868, with internal and published modifications).

NM_003106.4(SOX2):c.-3C>T

Genes: SOX2 (SRY-box transcription factor 2; plus strand), SOX2-OT (SOX2 overlapping transcript; plus strand), LOC108281177 (SOX2 5' regulatory region; plus strand). Cytogenetic location: 3q26.33.
Variant type: single nucleotide variant.
Coding change: c.-3C>T on transcript NM_003106.4 (MANE Select); 3 bases upstream of the start codon, C replaced by T.
Molecular consequence: 5 prime UTR variant.
Genome position (GRCh38, 1-based): chr3:181,712,358, C>T. VCF-style: chr3-181712358-C-T. GRCh37 (hg19) VCF-style: chr3-181430146-C-T.
Identifiers: ClinVar variation 4990173 (VCV004990173.1).